The following is an entry in ClinVar:

NM_139276.3(STAT3):c.1515C>T (p.Ala505=)

Gene: STAT3 (signal transducer and activator of transcription 3; minus strand). Cytogenetic location: 17q21.2.
Variant type: single nucleotide variant.
Coding change: c.1515C>T on transcript NM_139276.3 (MANE Select); coding-DNA position 1515, C replaced by T.
Protein change: p.Ala505=; no amino-acid change (alanine 505 retained).
Molecular consequence: synonymous variant.
Genome position (GRCh38, 1-based): chr17:42,324,796, G>A on the plus strand (C>T on the coding strand, the complement: STAT3 is on the minus strand). VCF-style: chr17-42324796-G-A. GRCh37 (hg19) VCF-style: chr17-40476814-G-A.
Other names: p.Ala505=; c.1515C>T, p.Ala505= (NM_001369512.1, NM_001369513.1, NM_001369514.1 and 10 more transcripts); c.1431C>T, p.Ala477= (NM_001384984.1); c.1437C>T, p.Ala479= (NM_001384985.1); c.1530C>T, p.Ala510= (NM_001384986.1, NM_001384990.1); c.1494C>T, p.Ala498= (NM_001384987.1); c.1419C>T, p.Ala473= (NM_001384989.1); c.1455C>T, p.Ala485= (NM_001384992.1).
Identifiers: ClinVar variation 2931639 (VCV002931639.4), dbSNP rs762743967, ClinGen allele CA8575298.

ClinVar aggregate classification (germline): Benign/Likely benign. Review status: criteria provided, multiple submitters, no conflicts (2 of 4 stars). 2 submissions from 2 submitters: Benign (1); Likely benign (1). Last evaluated 2025-11-03.

Conditions:
Hyper-IgE recurrent infection syndrome 1, autosomal dominant. Also called: JOB SYNDROME; Job's Syndrome; STAT3 Hyper IgE Syndrome; Hyper-IgE recurrent infection syndrome 1; HYPER-IgE SYNDROME 1, AUTOSOMAL DOMINANT, WITH RECURRENT INFECTIONS. Identifiers: Orphanet 2314, MedGen C2936739, MONDO:0007818, OMIM 147060.
STAT3 gain of function. Identifiers: MedGen C4288261.

Allele frequency attached by ClinVar (database versions not stated): TOPMed below 0.00001; gnomAD exomes 0.00001; ExAC 0.00002.

Submissions (2):

Labcorp Genetics (formerly Invitae), Labcorp
Classification: Benign for STAT3 gain of function; Hyper-IgE recurrent infection syndrome 1, autosomal dominant. Last evaluated: 2025-11-03. Review status: criteria provided, single submitter. Criteria: Invitae Variant Classification Sherloc (09022015). Collection method: clinical testing. Allele origin: germline.

Mayo Clinic Laboratories, Mayo Clinic
Classification: Likely benign. Last evaluated: 2025-06-27. Review status: criteria provided, single submitter. Criteria: ACMG Guidelines, 2015. Collection method: clinical testing. Allele origin: germline. Observed: 1 variant allele.
Comment: BP4, BP7